The following is an entry in ClinVar:

ClinVar aggregate classification (germline): Conflicting classifications of pathogenicity. Review status: criteria provided, conflicting classifications (1 of 4 stars). 10 submissions from 10 submitters: Uncertain significance (1); Likely benign (7). 2 of the submissions do not count toward it. Last evaluated 2026-07-01.

Conditions:
ATP7B-related disorder. Also called: ATP7B-related condition.
Wilson disease (WND). Also called: Wilson's disease. Identifiers: Orphanet 905, MedGen C0019202, MONDO:0010200, OMIM 277900. Disease mechanism: loss of function.

Allele frequency attached by ClinVar (database versions not stated): gnomAD 0.00004; ExAC 0.00006; TOPMed 0.00006; gnomAD exomes 0.00008.
gnomAD v4.1: 131 of 1,613,912 alleles (0.0081%); highest among the groups gnomAD compares: Middle Eastern, 0.082%; 1 homozygote.

Submissions (10):

CeGaT Center for Human Genetics Tuebingen
Classification: Likely benign. Last evaluated: 2026-07-01. Review status: criteria provided, single submitter. Criteria: CeGaT Center For Human Genetics Tuebingen Variant Classification Criteria Version 2. Collection method: clinical testing. Allele origin: germline. Affected: yes. Observed: 2 variant alleles.
Comment: ATP7B: BP4, BP7

Labcorp Genetics (formerly Invitae), Labcorp
Classification: Likely benign for Wilson disease. Last evaluated: 2025-12-30. Review status: criteria provided, single submitter. Criteria: Invitae Variant Classification Sherloc (09022015). Collection method: clinical testing. Allele origin: germline.

Blueprint Genetics
Classification: Likely benign. Last evaluated: 2024-11-25. Review status: criteria provided, single submitter. Criteria: ACMG Guidelines, 2015. Collection method: clinical testing. Allele origin: germline.

All of Us Research Program, National Institutes of Health
Classification: Likely benign for Wilson disease. Last evaluated: 2024-02-05. Review status: criteria provided, single submitter. Criteria: ACMG Guidelines, 2015. Collection method: clinical testing. Allele origin: germline. Inheritance: Autosomal recessive inheritance. Observed: 14 variant alleles, 14 heterozygotes.
Comment: This study involves interpretation of variants in research participants for the purpose of population health screening. Participant phenotype was not available at the time of variant classification. Additional details can be found in publication PMID: 35346344, PMCID: PMC8962531

Color Diagnostics, LLC DBA Color Health
Classification: Likely benign for Wilson disease. Last evaluated: 2022-06-17. Review status: criteria provided, single submitter. Criteria: ACMG Guidelines, 2015. Collection method: clinical testing. Allele origin: germline.

Genome-Nilou Lab
Classification: Likely benign for Wilson disease. Last evaluated: 2021-08-10. Review status: criteria provided, single submitter. Criteria: ACMG Guidelines, 2015. Collection method: clinical testing. Allele origin: germline. Affected: no.

GeneDx
Classification: Likely benign. Last evaluated: 2019-05-01. Review status: criteria provided, single submitter. Criteria: GeneDx Variant Classification Process June 2021. Collection method: clinical testing. Allele origin: germline. Affected: yes.
Comment: This variant is associated with the following publications: (PMID: 15952988, 9671269)

Illumina Laboratory Services, Illumina
Classification: Uncertain significance for Wilson disease. Last evaluated: 2018-01-13. Review status: criteria provided, single submitter. Criteria: ICSL Variant Classification Criteria 13 December 2019. Collection method: clinical testing. Allele origin: germline.

Natera, Inc.
Classification: Likely benign for Wilson disease. Last evaluated: 2020-09-16. Review status: no assertion criteria provided. Collection method: clinical testing. Allele origin: germline. Not counted in ClinVar's aggregate classification.

PreventionGenetics, part of Exact Sciences
Classification: Likely benign for ATP7B-related condition. Last evaluated: 2019-09-17. Review status: no assertion criteria provided. Collection method: clinical testing. Allele origin: germline. Not counted in ClinVar's aggregate classification.
Comment: This variant is classified as likely benign based on ACMG/AMP sequence variant interpretation guidelines (Richards et al. 2015 PMID: 25741868, with internal and published modifications).

NM_000053.4(ATP7B):c.3885C>T (p.Ala1295=)

Gene: ATP7B (ATPase copper transporting beta; minus strand). Cytogenetic location: 13q14.3.
Variant type: single nucleotide variant.
Coding change: c.3885C>T on transcript NM_000053.4 (MANE Select); coding-DNA position 3885, C replaced by T.
Protein change: p.Ala1295=; no amino-acid change (alanine 1295 retained).
Molecular consequence: synonymous variant.
Genome position (GRCh38, 1-based): chr13:51,937,494, G>A on the plus strand (C>T on the coding strand, the complement: ATP7B is on the minus strand). VCF-style: chr13-51937494-G-A. GRCh37 (hg19) VCF-style: chr13-52511630-G-A.
Other names: c.3264C>T, p.Ala1088= (NM_001005918.3); c.3552C>T, p.Ala1184= (NM_001243182.2); c.3651C>T, p.Ala1217= (NM_001330578.2); c.3633C>T, p.Ala1211= (NM_001330579.2).
Identifiers: ClinVar variation 312378 (VCV000312378.41), dbSNP rs200597654, ClinGen allele CA6988550.